The following is an entry in ClinVar:

ClinVar aggregate classification (germline): Uncertain significance (1 of 4 stars; one submission).

Allele frequency attached by ClinVar (database versions not stated): gnomAD exomes below 0.00001.
gnomAD v4.1: 6 of 1,614,176 alleles (0.00037%); highest among the groups gnomAD compares: Non-Finnish European, 0.00051%; no homozygotes.

Submission:

Labcorp Genetics (formerly Invitae), Labcorp
Classification: Uncertain significance. Last evaluated: 2022-05-29. Review status: criteria provided, single submitter. Criteria: Invitae Variant Classification Sherloc (09022015). Collection method: clinical testing. Allele origin: germline.
Comment: In summary, the available evidence is currently insufficient to determine the role of this variant in disease. Therefore, it has been classified as a Variant of Uncertain Significance. Algorithms developed to predict the effect of missense changes on protein structure and function (SIFT, PolyPhen-2, Align-GVGD) all suggest that this variant is likely to be tolerated. This variant has not been reported in the literature in individuals affected with DMXL2-related conditions. This variant is not present in population databases (gnomAD no frequency). This sequence change replaces threonine, which is neutral and polar, with alanine, which is neutral and non-polar, at codon 1064 of the DMXL2 protein (p.Thr1064Ala).

NM_001378457.1(DMXL2):c.3190A>G (p.Thr1064Ala)

Gene: DMXL2 (Dmx like 2; minus strand). Cytogenetic location: 15q21.2.
Variant type: single nucleotide variant.
Coding change: c.3190A>G on transcript NM_001378457.1 (MANE Select); coding-DNA position 3190, A replaced by G.
Protein change: p.Thr1064Ala; replaces threonine 1064 with alanine.
Molecular consequence: missense variant. On other transcripts: non-coding transcript variant (2), intron variant (2).
Genome position (GRCh38, 1-based): chr15:51,500,034, T>C on the plus strand (A>G on the coding strand, the complement: DMXL2 is on the minus strand). VCF-style: chr15-51500034-T-C. GRCh37 (hg19) VCF-style: chr15-51792231-T-C.
Other names: c.3190A>G, p.Thr1064Ala (NM_001174116.3, NM_001378458.1, NM_001378459.1 and 4 more transcripts); c.2950A>G, p.Thr984Ala (NM_001378464.1); c.2764+7100A>G (NM_001378460.1); c.2765-4900A>G (NM_001174117.3); short protein forms T1064A, T984A.
Identifiers: ClinVar variation 1934261 (VCV001934261.3), dbSNP rs906015978, ClinGen allele CA270574811.